The following is an entry in ClinVar:

NM_001376.5(DYNC1H1):c.13385G>A (p.Arg4462Gln)

Gene: DYNC1H1 (dynein cytoplasmic 1 heavy chain 1; plus strand). Cytogenetic location: 14q32.31.
Variant type: single nucleotide variant.
Coding change: c.13385G>A on transcript NM_001376.5 (MANE Select); coding-DNA position 13385, G replaced by A.
Protein change: p.Arg4462Gln; replaces arginine 4462 with glutamine.
Molecular consequence: missense variant.
Genome position (GRCh38, 1-based): chr14:102,049,452, G>A. VCF-style: chr14-102049452-G-A. GRCh37 (hg19) VCF-style: chr14-102515789-G-A.
Other names: short protein forms R4462Q.
Identifiers: ClinVar variation 246032 (VCV000246032.12), dbSNP rs376608392, ClinGen allele CA7354236.

ClinVar aggregate classification (germline): Conflicting classifications of pathogenicity. Review status: criteria provided, conflicting classifications (1 of 4 stars). 5 submissions from 5 submitters: Uncertain significance (1); Likely benign (3). 1 of the submissions does not count toward it. Last evaluated 2026-01-22.

Conditions:
DYNC1H1-related disorder. Also called: DYNC1H1-related condition; DYNC1H1-related disorders. Identifiers: MedGen CN381529.
Inborn genetic diseases. Identifiers: MedGen C0950123, MeSH D030342.
Charcot-Marie-Tooth disease axonal type 2O. Also called: CHARCOT-MARIE-TOOTH NEUROPATHY, AXONAL, TYPE 2O; CHARCOT-MARIE-TOOTH DISEASE, AXONAL, AUTOSOMAL DOMINANT, TYPE 2O; Charcot-Marie-Tooth Neuropathy Type 2O; Charcot-Marie-Tooth disease, axonal, type 20. Identifiers: Orphanet 284232, MedGen C3280220, MONDO:0013644, OMIM 614228.

Allele frequency attached by ClinVar (database versions not stated): ExAC 0.00005; gnomAD exomes 0.00006 and 0.00013; ESP Exome Variant Server 0.00008; TOPMed 0.00013; gnomAD 0.00015 and 0.00016.
gnomAD v4.1: 214 of 1,614,022 alleles (0.013%); highest among the groups gnomAD compares: African/African-American, 0.023%; 1 homozygote.

Submissions (5):

PreventionGenetics, part of Exact Sciences
Classification: Likely benign for DYNC1H1-related condition. Last evaluated: 2026-01-22. Review status: criteria provided, single submitter. Criteria: ACMG Guidelines, 2015. Collection method: clinical testing. Allele origin: germline.
Comment: This variant is classified as likely benign based on ACMG/AMP sequence variant interpretation guidelines (Richards et al. 2015 PMID: 25741868, with internal and published modifications).

Labcorp Genetics (formerly Invitae), Labcorp
Classification: Likely benign for Charcot-Marie-Tooth disease axonal type 2O. Last evaluated: 2026-01-05. Review status: criteria provided, single submitter. Criteria: Invitae Variant Classification Sherloc (09022015). Collection method: clinical testing. Allele origin: germline.

Ambry Genetics
Classification: Likely benign for Inborn genetic diseases. Last evaluated: 2020-03-19. Review status: criteria provided, single submitter. Criteria: Ambry Variant Classification Scheme 2023. Collection method: clinical testing. Allele origin: germline.

GeneDx
Classification: Uncertain significance. Last evaluated: 2015-11-18. Review status: criteria provided, single submitter. Criteria: GeneDx Variant Classification (06012015). Collection method: clinical testing. Allele origin: germline. Affected: yes.
Comment: The R4462Q variant has not been published as a pathogenic variant, nor has it been reported as a benign variant to our knowledge. It was not observed in approximately 6,500 individuals of European and African American ancestry in the NHLBI Exome Sequencing Project, indicating it is not a common benign variant in these populations. The R4462Q variant is a semi-conservative amino acid substitution, which may impact secondary protein structure as these residues differ in some properties. However, this substitution occurs at a position that is not conserved, and Glutamine is observed at this position in another species. In silico analysis is inconsistent in its predictions as to whether or not the variant is damaging to the protein structure/function. Therefore, based on the currently available information, it is unclear whether this variant is a pathogenic variant or a rare benign variant.

Department of Pathology and Laboratory Medicine, Sinai Health System
Classification: Likely benign. Review status: no assertion criteria provided. Collection method: clinical testing. Allele origin: unknown. Affected: yes. Study: The Canadian Open Genetics Repository (COGR). Not counted in ClinVar's aggregate classification.
Comment: The DYNC1H1 p.Arg4462Gln variant was not identified in the literature nor was it identified in Cosmic or LOVD 3.0. The variant was identified in dbSNP (ID: rs376608392) and ClinVar (classified as a VUS by GeneDx). The variant was identified in control databases in 19 of 282686 chromosomes at a frequency of 0.000067 (Genome Aggregation Database Feb 27, 2017). The variant was observed in the following populations: African in 5 of 24956 chromosomes (freq: 0.0002), European (non-Finnish) in 12 of 129054 chromosomes (freq: 0.000093), South Asian in 1 of 30616 chromosomes (freq: 0.000033) and Latino in 1 of 35432 chromosomes (freq: 0.000028); it was not observed in the Ashkenazi Jewish, East Asian, European (Finnish), and Other populations. The p.Arg4462 residue is conserved in mammals but not in more distantly related organisms however four out of five computational analyses (PolyPhen-2, SIFT, AlignGVGD, BLOSUM) do not suggest a high likelihood of impact to the protein; this information is not predictive enough to rule out pathogenicity. The variant occurs outside of the splicing consensus sequence and only 2 of 4 in silico or computational prediction software programs (SpliceSiteFinder, MaxEntScan) predict a greater than 10% difference in splicing; this is not very predictive of pathogenicity. In summary, based on the above information the clinical significance of this variant cannot be determined with certainty at this time although we would lean towards a more benign role for this variant. This variant is classified as likely benign.